The following is an entry in ClinVar:

ClinVar aggregate classification (germline): Pathogenic (1 of 4 stars; one submission).

Conditions:
Hereditary cancer-predisposing syndrome. Also called: Hereditary Cancer Syndrome; Neoplastic Syndromes, Hereditary; Hereditary neoplastic syndrome; Tumor predisposition. Identifiers: Orphanet 140162, MedGen C0027672, MeSH D009386, MONDO:0015356.

Submission:

Ambry Genetics
Classification: Pathogenic for Hereditary cancer-predisposing syndrome. Last evaluated: 2015-07-09. Review status: criteria provided, single submitter. Criteria: Ambry Variant Classification Scheme 2023. Collection method: clinical testing. Allele origin: germline.
Comment: The c.134delC pathogenic mutation, located in coding exon 2 of the FH gene, results from a deletion of one nucleotide at position 134, causing a translational frameshift with a predicted alternate stop codon. Since frameshifts are typically deleterious in nature, this alteration is interpreted as a disease-causing mutation (ACMG Recommendations for Standards for Interpretation and Reporting of Sequence Variations. Revision 2007. Genet Med. 2008;10:294).

NM_000143.4(FH):c.134del (p.Ala45fs)

Gene: FH (fumarate hydratase; minus strand). Cytogenetic location: 1q43.
Variant type: Deletion.
Coding change: c.134del on transcript NM_000143.4 (MANE Select); coding-DNA position 134, one base deleted (C; older notation c.134delC).
Protein change: p.Ala45fs; shifts the reading frame from alanine 45.
Molecular consequence: frameshift variant.
Genome position (GRCh38, 1-based): chr1:241,517,315, G deleted on the plus strand (C on the coding strand, the reverse complement: FH is on the minus strand). VCF-style (leftmost placement, unchanged base first): chr1-241517314-TG-T. GRCh37 (hg19) VCF-style: chr1-241680614-TG-T.
Other names: c.134delC (NM_000143.3); short protein forms A45fs.
Identifiers: ClinVar variation 429173 (VCV000429173.5), dbSNP rs1131691237, ClinGen allele CA645369179.